The following is an entry in ClinVar:

ClinVar aggregate classification (germline): Likely benign. Review status: criteria provided, multiple submitters, no conflicts (2 of 4 stars). 3 submissions from 3 submitters: Likely benign (2). 1 of the submissions does not count toward it. Last evaluated 2025-07-30.

Conditions:
GRM6-related disorder. Also called: GRM6-related condition.

Allele frequency attached by ClinVar (database versions not stated): gnomAD exomes below 0.00001 and 0.00001; ExAC 0.00001; gnomAD 0.00011; 1000 Genomes Project 30x 0.00016; 1000 Genomes Project 0.00020; TOPMed 0.00023.
gnomAD v4.1: 27 of 1,613,422 alleles (0.0017%); highest among the groups gnomAD compares: Admixed American, 0.035%; 1 homozygote.

Submissions (3):

Labcorp Genetics (formerly Invitae), Labcorp
Classification: Likely benign. Last evaluated: 2025-07-30. Review status: criteria provided, single submitter. Criteria: Invitae Variant Classification Sherloc (09022015). Collection method: clinical testing. Allele origin: germline.

Blueprint Genetics
Classification: Likely benign. Last evaluated: 2021-10-26. Review status: criteria provided, single submitter. Criteria: ACMG Guidelines, 2015. Collection method: clinical testing. Allele origin: germline.

PreventionGenetics, part of Exact Sciences
Classification: Likely benign for GRM6-related condition. Last evaluated: 2019-05-09. Review status: no assertion criteria provided. Collection method: clinical testing. Allele origin: germline. Not counted in ClinVar's aggregate classification.
Comment: This variant is classified as likely benign based on ACMG/AMP sequence variant interpretation guidelines (Richards et al. 2015 PMID: 25741868, with internal and published modifications).

NM_000843.4(GRM6):c.2061A>G (p.Thr687=)

Genes: GRM6 (glutamate metabotropic receptor 6; minus strand), ZNF454 (zinc finger protein 454; plus strand). Cytogenetic location: 5q35.3.
Variant type: single nucleotide variant.
Coding change: c.2061A>G on transcript NM_000843.4 (MANE Select); coding-DNA position 2061, A replaced by G.
Protein change: p.Thr687=; no amino-acid change (threonine 687 retained).
Molecular consequence: synonymous variant.
Genome position (GRCh38, 1-based): chr5:178,986,193, T>C on the plus strand (A>G on the coding strand, the complement: GRM6 is on the minus strand). VCF-style: chr5-178986193-T-C. GRCh37 (hg19) VCF-style: chr5-178413194-T-C.
Other names: c.2061A>G (NM_000843.3).
Identifiers: ClinVar variation 1093748 (VCV001093748.12), dbSNP rs569027291, ClinGen allele CA3593844.